The following is an entry in ClinVar:

ClinVar aggregate classification (germline): Uncertain significance (1 of 4 stars; one submission).

Conditions:
Developmental and epileptic encephalopathy. Identifiers: MedGen C5779964, MONDO:0100620.

Allele frequency attached by ClinVar (database versions not stated): gnomAD exomes below 0.00001 and 0.00002.

Submission:

Labcorp Genetics (formerly Invitae), Labcorp
Classification: Uncertain significance for Early-infantile DEE. Last evaluated: 2022-06-27. Review status: criteria provided, single submitter. Criteria: Invitae Variant Classification Sherloc (09022015). Collection method: clinical testing. Allele origin: germline.
Comment: This sequence change replaces alanine, which is neutral and non-polar, with threonine, which is neutral and polar, at codon 229 of the ST3GAL3 protein (p.Ala229Thr). The frequency data for this variant in the population databases is considered unreliable, as metrics indicate poor data quality at this position in the gnomAD database. This variant has not been reported in the literature in individuals affected with ST3GAL3-related conditions. ClinVar contains an entry for this variant (Variation ID: 1026019). Algorithms developed to predict the effect of missense changes on protein structure and function are either unavailable or do not agree on the potential impact of this missense change (SIFT: "Deleterious"; PolyPhen-2: "Benign"; Align-GVGD: "Class C0"). In summary, the available evidence is currently insufficient to determine the role of this variant in disease. Therefore, it has been classified as a Variant of Uncertain Significance.

NM_006279.5(ST3GAL3):c.685G>A (p.Ala229Thr)

Gene: ST3GAL3 (ST3 beta-galactoside alpha-2,3-sialyltransferase 3; plus strand). Cytogenetic location: 1p34.1.
Variant type: single nucleotide variant.
Coding change: c.685G>A on transcript NM_006279.5 (MANE Select); coding-DNA position 685, G replaced by A.
Protein change: p.Ala229Thr; replaces alanine 229 with threonine.
Molecular consequence: missense variant. On other transcripts: non-coding transcript variant (5), intron variant (7).
Genome position (GRCh38, 1-based): chr1:43,899,668, G>A. VCF-style: chr1-43899668-G-A. GRCh37 (hg19) VCF-style: chr1-44365340-G-A.
Other names: c.685G>A, p.Ala229Thr (NM_001270459.2, NM_001350620.2, NM_174966.4); c.592G>A, p.Ala198Thr (NM_001270460.2); c.637G>A, p.Ala213Thr (NM_001270461.3, NM_174969.4); c.544G>A, p.Ala182Thr (NM_001270462.3); c.730G>A, p.Ala244Thr (NM_001350619.2, NM_174964.4); c.406G>A, p.Ala136Thr (NM_001350621.2); c.847G>A, p.Ala283Thr (NM_001363573.2, NM_174968.5); c.892G>A, p.Ala298Thr (NM_174963.5); and 8 more; short protein forms A136T, A182T, A198T, A213T, A229T, A244T, A267T, A283T.
Identifiers: ClinVar variation 1026019 (VCV001026019.5), dbSNP rs986849607, ClinGen allele CA21599512.